The following is an entry in ClinVar:

ClinVar aggregate classification (germline): Uncertain significance. Review status: criteria provided, multiple submitters, no conflicts (2 of 4 stars). 4 submissions from 4 submitters: Uncertain significance (4). Last evaluated 2024-06-21.

Conditions:
Hereditary cancer-predisposing syndrome. Also called: Tumor predisposition; Neoplastic Syndromes, Hereditary; Hereditary neoplastic syndrome; Hereditary Cancer Syndrome. Identifiers: Orphanet 140162, MedGen C0027672, MeSH D009386, MONDO:0015356.
Hereditary nonpolyposis colorectal neoplasms. Identifiers: MedGen C0009405, MeSH D003123.

Submissions (4):

Labcorp Genetics (formerly Invitae), Labcorp
Classification: Uncertain significance for Hereditary nonpolyposis colorectal neoplasms. Last evaluated: 2024-06-21. Review status: criteria provided, single submitter. Criteria: Invitae Variant Classification Sherloc (09022015). Collection method: clinical testing. Allele origin: germline.
Comment: This sequence change replaces isoleucine, which is neutral and non-polar, with arginine, which is basic and polar, at codon 668 of the PMS2 protein (p.Ile668Arg). This variant is not present in population databases (gnomAD no frequency). This variant has not been reported in the literature in individuals affected with PMS2-related conditions. ClinVar contains an entry for this variant (Variation ID: 632955). Advanced modeling performed at Invitae incorporating data from internal and/or published experimental studies (Invitae) indicates that this missense variant is not expected to disrupt PMS2 function with a negative predictive value of 95%. This variant disrupts the p.Ile668 amino acid residue in PMS2. Other variant(s) that disrupt this residue have been determined to be pathogenic (PMID: 25691505). This suggests that this residue is clinically significant, and that variants that disrupt this residue are likely to be disease-causing. In summary, the available evidence is currently insufficient to determine the role of this variant in disease. Therefore, it has been classified as a Variant of Uncertain Significance.

Color Diagnostics, LLC DBA Color Health
Classification: Uncertain significance for Hereditary cancer-predisposing syndrome. Last evaluated: 2024-04-11. Review status: criteria provided, single submitter. Criteria: ACMG Guidelines, 2015. Collection method: clinical testing. Allele origin: germline.
Comment: This missense variant replaces isoleucine with arginine at codon 668 of the PMS2 protein. Computational prediction is inconclusive regarding the impact of this variant on protein structure and function. To our knowledge, functional studies have not been reported for this variant. This variant has not been reported in individuals affected with PMS2-related disorders in the literature. A different missense variant at this codon, p.Ile668Val (c.2002A>G) has been reported to cause a RNA splicing defect and has been reported as likely disease-causing in ClinVar (variation ID: 192316). However, the variant found in this report, c.2003T>G, is predicted to have no impact on RNA splicing (PMID: 35449021). This variant has not been identified in the general population by the Genome Aggregation Database (gnomAD). The available evidence is insufficient to determine the role of this variant in disease conclusively. Therefore, this variant is classified as a Variant of Uncertain Significance.

Ambry Genetics
Classification: Uncertain significance for Hereditary cancer-predisposing syndrome. Last evaluated: 2023-08-31. Review status: criteria provided, single submitter. Criteria: Ambry Variant Classification Scheme 2023. Collection method: clinical testing. Allele origin: germline.
Comment: The p.I668R variant (also known as c.2003T>G), located in coding exon 11 of the PMS2 gene, results from a T to G substitution at nucleotide position 2003. The isoleucine at codon 668 is replaced by arginine, an amino acid with similar properties. This amino acid position is highly conserved in available vertebrate species. In addition, this alteration is predicted to be deleterious by in silico analysis. Since supporting evidence is limited at this time, the clinical significance of this alteration remains unclear.

Women's Health and Genetics/Laboratory Corporation of America, LabCorp
Classification: Uncertain significance. Last evaluated: 2018-11-20. Review status: criteria provided, single submitter. Criteria: LabCorp Variant Classification Summary - May 2015. Collection method: clinical testing. Allele origin: germline.
Comment: Variant summary: PMS2 c.2003T>G (p.Ile668Arg) results in a non-conservative amino acid change in the encoded protein sequence. Four of five in-silico tools predict a damaging effect of the variant on protein function. The variant was absent in 229068 control chromosomes (gnomAD). The available data on variant occurrences in the general population are insufficient to allow any conclusion about variant significance. To our knowledge, no occurrence of c.2003T>G in individuals affected with Lynch Syndrome and no experimental evidence demonstrating its impact on protein function have been reported. No clinical diagnostic laboratories have submitted clinical-significance assessments for this variant to ClinVar after 2014. Based on the evidence outlined above, the variant was classified as uncertain significance.

Literature cited by the submitters: PubMed 25691505 (cited by Labcorp Genetics (formerly Invitae), Labcorp); PubMed 35449021 (cited by Color Diagnostics, LLC DBA Color Health).

NM_000535.7(PMS2):c.2003T>G (p.Ile668Arg)

Gene: PMS2 (PMS1 homolog 2, mismatch repair system component; minus strand). Cytogenetic location: 7p22.1.
Variant type: single nucleotide variant.
Coding change: c.2003T>G on transcript NM_000535.7 (MANE Select); coding-DNA position 2003, T replaced by G.
Protein change: p.Ile668Arg; replaces isoleucine 668 with arginine.
Molecular consequence: missense variant. On other transcripts: non-coding transcript variant (1).
Genome position (GRCh38, 1-based): chr7:5,986,762, A>C on the plus strand (T>G on the coding strand, the complement: PMS2 is on the minus strand). VCF-style: chr7-5986762-A-C. GRCh37 (hg19) VCF-style: chr7-6026393-A-C.
Other names: c.1598T>G, p.Ile533Arg (NM_001322003.2, NM_001322004.2, NM_001322005.2 and 1 more transcripts); c.1847T>G, p.Ile616Arg (NM_001322006.2); c.1685T>G, p.Ile562Arg (NM_001322007.2, NM_001322008.2); c.1442T>G, p.Ile481Arg (NM_001322010.2); c.1070T>G, p.Ile357Arg (NM_001322011.2, NM_001322012.2); c.1430T>G, p.Ile477Arg (NM_001322013.2); c.2003T>G, p.Ile668Arg (NM_001322014.2); c.1694T>G, p.Ile565Arg (NM_001322015.2); short protein forms I668R, I357R, I477R, I481R, I533R, I562R, I565R, I616R.
Identifiers: ClinVar variation 632955 (VCV000632955.14), dbSNP rs1562624877, ClinGen allele CA366738857.